The following is an entry in ClinVar:

ClinVar aggregate classification (germline): Uncertain significance (1 of 4 stars; one submission).

Allele frequency attached by ClinVar (database versions not stated): ExAC 0.00001; gnomAD exomes 0.00001.

Submission:

Women's Health and Genetics/Laboratory Corporation of America, LabCorp
Classification: Uncertain significance. Last evaluated: 2023-05-10. Review status: criteria provided, single submitter. Criteria: LabCorp Variant Classification Summary - May 2015. Collection method: clinical testing. Allele origin: germline.
Comment: Variant summary: KCNJ11 c.11G>A (p.Arg4His) results in a non-conservative amino acid change in the encoded protein sequence. Five of five in-silico tools predict a damaging effect of the variant on protein function. The variant allele was found at a frequency of 8.1e-06 in 247952 control chromosomes. The available data on variant occurrences in the general population are insufficient to allow any conclusion about variant significance. c.11G>A has been reported in the literature as a non-informative genotype (second allele not specified) in at-least one individual with congenital hyperinsulinism (CHI) or Neonatal Diabetes Mellitus (NDM). This report does not provide unequivocal conclusions about association of the variant with Congenital Hyperinsulinism. To our knowledge, no experimental evidence demonstrating an impact on protein function has been reported. The following publication has been ascertained in the context of this evaluation (PMID: 32027066). No clinical diagnostic laboratories have submitted clinical-significance assessments for this variant to ClinVar after 2014. Based on the evidence outlined above, the variant was classified as uncertain significance.

Literature cited by the submitters: PubMed 32027066.

NM_000525.4(KCNJ11):c.11G>A (p.Arg4His)

Gene: KCNJ11 (potassium inwardly rectifying channel subfamily J member 11; minus strand). Cytogenetic location: 11p15.1.
Variant type: single nucleotide variant.
Coding change: c.11G>A on transcript NM_000525.4 (MANE Select); coding-DNA position 11, G replaced by A.
Protein change: p.Arg4His; replaces arginine 4 with histidine.
Molecular consequence: missense variant. On other transcripts: intron variant (3).
Genome position (GRCh38, 1-based): chr11:17,388,081, C>T on the plus strand (G>A on the coding strand, the complement: KCNJ11 is on the minus strand). VCF-style: chr11-17388081-C-T. GRCh37 (hg19) VCF-style: chr11-17409628-C-T.
Other names: c.-16-235G>A (NM_001166290.2, NM_001377297.1); c.-75-5G>A (NM_001377296.1); short protein forms R4H.
Identifiers: ClinVar variation 2506217 (VCV002506217.1), dbSNP rs769283457, ClinGen allele CA5902348.
Genomic context (GRCh38, chr11:17,388,081, plus strand): 5'-GGCTTGGCAGGGTCCTCTGCCAGGCGTGTCAGCACGTATTCCTCGGGGATGATGCCCTTG[C>T]GGGACAGCATGGCTCCGGTGACCCCCAGGGAGGGGCTTCCCCCATCGGAGGCACCCCTCG-3'
Protein context (NP_000516.3, residues 1-14): MLS[Arg4His]KGIIPEEYVL